The following is an entry in ClinVar:

ClinVar aggregate classification (germline): Uncertain significance (1 of 4 stars; one submission).

Conditions:
Charcot-Marie-Tooth disease type 4. Also called: Charcot-Marie-Tooth disease, type IV; Charcot-Marie-Tooth, Type 4. Identifiers: Orphanet 64749, MedGen C4082197, MONDO:0018995.

Allele frequency attached by ClinVar (database versions not stated): gnomAD exomes 0.00001; ExAC 0.00001.
gnomAD v4.1: 10 of 1,547,656 alleles (0.00065%); highest among the groups gnomAD compares: Non-Finnish European, 0.00089%; no homozygotes.

Submission:

Labcorp Genetics (formerly Invitae), Labcorp
Classification: Uncertain significance for Charcot-Marie-Tooth disease type 4. Last evaluated: 2021-08-31. Review status: criteria provided, single submitter. Criteria: Invitae Variant Classification Sherloc (09022015). Collection method: clinical testing. Allele origin: germline.
Comment: This sequence change replaces valine with glycine at codon 290 of the SBF2 protein (p.Val290Gly). The valine residue is highly conserved and there is a moderate physicochemical difference between valine and glycine. This variant is present in population databases (rs771827174, ExAC 0.002%). This variant has not been reported in the literature in individuals affected with SBF2-related conditions. Algorithms developed to predict the effect of missense changes on protein structure and function are either unavailable or do not agree on the potential impact of this missense change (SIFT: "Tolerated"; PolyPhen-2: "Probably Damaging"; Align-GVGD: "Class C0"). In summary, the available evidence is currently insufficient to determine the role of this variant in disease. Therefore, it has been classified as a Variant of Uncertain Significance.

NM_030962.4(SBF2):c.869T>G (p.Val290Gly)

Gene: SBF2 (SET binding factor 2; minus strand). Cytogenetic location: 11p15.4.
Variant type: single nucleotide variant.
Coding change: c.869T>G on transcript NM_030962.4 (MANE Select); coding-DNA position 869, T replaced by G.
Protein change: p.Val290Gly; replaces valine 290 with glycine.
Molecular consequence: missense variant.
Genome position (GRCh38, 1-based): chr11:9,998,372, A>C on the plus strand (T>G on the coding strand, the complement: SBF2 is on the minus strand). VCF-style: chr11-9998372-A-C. GRCh37 (hg19) VCF-style: chr11-10019919-A-C.
Other names: c.869T>G, p.Val290Gly (NM_001386339.1, NM_001386342.1); short protein forms V290G.
Identifiers: ClinVar variation 663099 (VCV000663099.6), dbSNP rs771827174, ClinGen allele CA5881977.